The following is an entry in ClinVar:

ClinVar aggregate classification (germline): Uncertain significance. Review status: criteria provided, multiple submitters, no conflicts (2 of 4 stars). 2 submissions from 2 submitters: Uncertain significance (2). Last evaluated 2022-05-26.

Conditions:
Hereditary cancer-predisposing syndrome. Also called: Hereditary neoplastic syndrome; Neoplastic Syndromes, Hereditary; Hereditary Cancer Syndrome; Tumor predisposition. Identifiers: Orphanet 140162, MedGen C0027672, MeSH D009386, MONDO:0015356.
Neuroblastoma, susceptibility to, 3. Also called: ALK-Related Neuroblastic Tumor Susceptibility. Identifiers: Orphanet 635, MedGen C2751681, MONDO:0013083, OMIM 613014.

gnomAD v4.1: 2 of 1,594,004 alleles (0.00013%); highest among the groups gnomAD compares: African/African-American, 0.0027%; no homozygotes.

Submissions (2):

Ambry Genetics
Classification: Uncertain significance for Hereditary cancer-predisposing syndrome. Last evaluated: 2022-05-26. Review status: criteria provided, single submitter. Criteria: Ambry Variant Classification Scheme 2023. Collection method: clinical testing. Allele origin: germline.
Comment: The p.P1438S variant (also known as c.4312C>T), located in coding exon 29 of the ALK gene, results from a C to T substitution at nucleotide position 4312. The proline at codon 1438 is replaced by serine, an amino acid with similar properties. This amino acid position is conserved. In addition, this alteration is predicted to be tolerated by in silico analysis. Since supporting evidence is limited at this time, the clinical significance of this alteration remains unclear.

Labcorp Genetics (formerly Invitae), Labcorp
Classification: Uncertain significance for Neuroblastoma, susceptibility to, 3. Last evaluated: 2018-02-25. Review status: criteria provided, single submitter. Criteria: Invitae Variant Classification Sherloc (09022015). Collection method: clinical testing. Allele origin: germline.
Comment: In summary, the available evidence is currently insufficient to determine the role of this variant in disease. Therefore, it has been classified as a Variant of Uncertain Significance. Algorithms developed to predict the effect of missense changes on protein structure and function output the following: SIFT: "Tolerated"; PolyPhen-2: "Benign"; Align-GVGD: "Class C0". The serine amino acid residue is found in multiple mammalian species, suggesting that this missense change does not adversely affect protein function. These predictions have not been confirmed by published functional studies and their clinical significance is uncertain. This variant has not been reported in the literature in individuals with ALK-related disease. This variant is not present in population databases (ExAC no frequency). This sequence change replaces proline with serine at codon 1438 of the ALK protein (p.Pro1438Ser). The proline residue is moderately conserved and there is a moderate physicochemical difference between proline and serine.

NM_004304.5(ALK):c.4312C>T (p.Pro1438Ser)

Gene: ALK (ALK receptor tyrosine kinase; minus strand). Cytogenetic location: 2p23.2.
Variant type: single nucleotide variant.
Coding change: c.4312C>T on transcript NM_004304.5 (MANE Select); coding-DNA position 4312, C replaced by T.
Protein change: p.Pro1438Ser; replaces proline 1438 with serine.
Molecular consequence: missense variant.
Genome position (GRCh38, 1-based): chr2:29,193,775, G>A on the plus strand (C>T on the coding strand, the complement: ALK is on the minus strand). VCF-style: chr2-29193775-G-A. GRCh37 (hg19) VCF-style: chr2-29416641-G-A.
Other names: c.1108C>T, p.Pro370Ser (NM_001353765.2); short protein forms P1438S, P370S.
Identifiers: ClinVar variation 573604 (VCV000573604.11), dbSNP rs1558604000, ClinGen allele CA346462678.
Genomic context (GRCh38, chr2:29,193,775, plus strand): 5'-CTGTGGGTTTCTTTGCAGCCTTGCCAGAGGAGGTGGTAGGCAGAGGTGGTGGGGCAGCTG[G>A]GCTGCGCTCCTCCTCCCGTTTTGCCTGTTGAGAGACCAGGAGAGGAGGAACCCCCTCAGG-3'
Protein context (NP_004295.2, residues 1428-1448): QQAKREEERS[Pro1438Ser]AAPPPLPTTS